The following is an entry in ClinVar:

NM_001277115.2(DNAH11):c.11324C>T (p.Ala3775Val)

Gene: DNAH11 (dynein axonemal heavy chain 11; plus strand). Cytogenetic location: 7p15.3.
Variant type: single nucleotide variant.
Coding change: c.11324C>T on transcript NM_001277115.2 (MANE Select); coding-DNA position 11324, C replaced by T.
Protein change: p.Ala3775Val; replaces alanine 3775 with valine.
Molecular consequence: missense variant.
Genome position (GRCh38, 1-based): chr7:21,861,974, C>T. VCF-style: chr7-21861974-C-T. GRCh37 (hg19) VCF-style: chr7-21901592-C-T.
Other names: c.11345C>T, p.Ala3782Val (NM_003777.3); c.11324C>T (NM_001277115.1); short protein forms A3775V, A3782V.
Identifiers: ClinVar variation 2987772 (VCV002987772.4), dbSNP rs776464348, ClinGen allele CA4182701.
Genomic context (GRCh38, chr7:21,861,974, plus strand): 5'-GACGCATCTCTATCCTGATGGAGAGCATCACCCATGCTGTCTTCCTCTACACCAGCCAGG[C>T]GCTGTTTGAGAAGGACAAGCTCACCTTCCTGTCCCAGATGGCTTTTCAGGTAAGGAGATC-3'
Protein context (NP_001264044.1, residues 3765-3785): THAVFLYTSQ[Ala3775Val]LFEKDKLTFL

ClinVar aggregate classification (germline): Conflicting classifications of pathogenicity. Review status: criteria provided, conflicting classifications (1 of 4 stars). 2 submissions from 2 submitters: Uncertain significance (1); Likely benign (1). Last evaluated 2025-06-15.

Conditions:
Primary ciliary dyskinesia. Also called: Ciliary dyskinesia. Identifiers: Orphanet 244, MedGen C0008780, MONDO:0016575, HP:0012265.

Allele frequency attached by ClinVar (database versions not stated): gnomAD 0.00001; gnomAD exomes 0.00001; ExAC 0.00002; TOPMed 0.00002.

Submissions (2):

Ambry Genetics
Classification: Uncertain significance for Primary ciliary dyskinesia. Last evaluated: 2025-06-15. Review status: criteria provided, single submitter. Criteria: Ambry Variant Classification Scheme 2023. Collection method: clinical testing. Allele origin: germline.
Comment: The p.A3775V variant (also known as c.11324C>T), located in coding exon 69 of the DNAH11 gene, results from a C to T substitution at nucleotide position 11324. The alanine at codon 3775 is replaced by valine, an amino acid with similar properties. This amino acid position is conserved. In addition, this alteration is predicted to be tolerated by in silico analysis. Based on the available evidence, the clinical significance of this variant remains unclear.

Labcorp Genetics (formerly Invitae), Labcorp
Classification: Likely benign for Primary ciliary dyskinesia. Last evaluated: 2024-02-23. Review status: criteria provided, single submitter. Criteria: Invitae Variant Classification Sherloc (09022015). Collection method: clinical testing. Allele origin: germline.